The following is an entry in ClinVar:

ClinVar aggregate classification (germline): Uncertain significance (1 of 4 stars; one submission).

Conditions:
Dilated cardiomyopathy 1O (CMD1O). Also called: CARDIOMYOPATHY, DILATED, WITH VENTRICULAR TACHYCARDIA. Identifiers: Orphanet 154, MedGen C1837839, MONDO:0012062, OMIM 608569.

Allele frequency attached by ClinVar (database versions not stated): gnomAD exomes below 0.00001.
gnomAD v4.1: 1 of 1,613,928 alleles (0.000062%); highest among the groups gnomAD compares: Non-Finnish European, 0.000085%; no homozygotes.

Submission:

Labcorp Genetics (formerly Invitae), Labcorp
Classification: Uncertain significance for Dilated cardiomyopathy 1O. Last evaluated: 2024-01-02. Review status: criteria provided, single submitter. Criteria: Invitae Variant Classification Sherloc (09022015). Collection method: clinical testing. Allele origin: germline.
Comment: This sequence change replaces isoleucine, which is neutral and non-polar, with threonine, which is neutral and polar, at codon 1008 of the ABCC9 protein (p.Ile1008Thr). This variant is not present in population databases (gnomAD no frequency). This variant has not been reported in the literature in individuals affected with ABCC9-related conditions. Advanced modeling of protein sequence and biophysical properties (such as structural, functional, and spatial information, amino acid conservation, physicochemical variation, residue mobility, and thermodynamic stability) performed at Invitae indicates that this missense variant is not expected to disrupt ABCC9 protein function with a negative predictive value of 80%. In summary, the available evidence is currently insufficient to determine the role of this variant in disease. Therefore, it has been classified as a Variant of Uncertain Significance.

NM_020297.4(ABCC9):c.3023T>C (p.Ile1008Thr)

Gene: ABCC9 (ATP binding cassette subfamily C member 9; minus strand). Cytogenetic location: 12p12.1.
Variant type: single nucleotide variant.
Coding change: c.3023T>C on transcript NM_020297.4 (MANE Select); coding-DNA position 3023, T replaced by C.
Protein change: p.Ile1008Thr; replaces isoleucine 1008 with threonine.
Molecular consequence: missense variant.
Genome position (GRCh38, 1-based): chr12:21,845,676, A>G on the plus strand (T>C on the coding strand, the complement: ABCC9 is on the minus strand). VCF-style: chr12-21845676-A-G. GRCh37 (hg19) VCF-style: chr12-21998610-A-G.
Other names: c.3023T>C, p.Ile1008Thr (NM_001377273.1, NM_005691.4); c.2156T>C, p.Ile719Thr (NM_001377274.1); short protein forms I1008T, I719T.
Identifiers: ClinVar variation 2707009 (VCV002707009.3), dbSNP rs2541079146, ClinGen allele CA384119726.